The following is an entry in ClinVar:

NM_001172509.2(SATB2):c.770A>G (p.Asn257Ser)

Gene: SATB2 (SATB homeobox 2; minus strand). Cytogenetic location: 2q33.1.
Variant type: single nucleotide variant.
Coding change: c.770A>G on transcript NM_001172509.2 (MANE Select); coding-DNA position 770, A replaced by G.
Protein change: p.Asn257Ser; replaces asparagine 257 with serine.
Molecular consequence: missense variant.
Genome position (GRCh38, 1-based): chr2:199,349,104, T>C on the plus strand (A>G on the coding strand, the complement: SATB2 is on the minus strand). VCF-style: chr2-199349104-T-C. GRCh37 (hg19) VCF-style: chr2-200213827-T-C.
Other names: c.770A>G, p.Asn257Ser (NM_001172517.1, NM_015265.4); short protein forms N257S.
Identifiers: ClinVar variation 1485027 (VCV001485027.9), dbSNP rs2105823534, ClinGen allele CA350388177.

ClinVar aggregate classification (germline): Uncertain significance. Review status: criteria provided, multiple submitters, no conflicts (2 of 4 stars). 2 submissions from 2 submitters: Uncertain significance (2). Last evaluated 2022-04-06.

Conditions:
Chromosome 2q32-q33 deletion syndrome (GLASS). Also called: Glass syndrome; 2q33.1 deletion syndrome. Identifiers: Orphanet 251019, MedGen C2676739, MONDO:0012864, OMIM 612313.

Allele frequency attached by ClinVar (database versions not stated): gnomAD exomes below 0.00001.

Submissions (2):

Fulgent Genetics
Classification: Uncertain significance for Chromosome 2q32-q33 deletion syndrome. Last evaluated: 2022-04-06. Review status: criteria provided, single submitter. Criteria: ACMG Guidelines, 2015. Collection method: clinical testing. Allele origin: unknown.

Labcorp Genetics (formerly Invitae), Labcorp
Classification: Uncertain significance for Chromosome 2q32-q33 deletion syndrome. Last evaluated: 2020-12-21. Review status: criteria provided, single submitter. Criteria: Invitae Variant Classification Sherloc (09022015). Collection method: clinical testing. Allele origin: germline.
Comment: Advanced modeling of protein sequence and biophysical properties (such as structural, functional, and spatial information, amino acid conservation, physicochemical variation, residue mobility, and thermodynamic stability) performed at Invitae indicates that this missense variant is not expected to disrupt SATB2 protein function. In summary, the available evidence is currently insufficient to determine the role of this variant in disease. Therefore, it has been classified as a Variant of Uncertain Significance. Algorithms developed to predict the effect of sequence changes on RNA splicing suggest that this variant may create or strengthen a splice site, but this prediction has not been confirmed by published transcriptional studies. This variant has not been reported in the literature in individuals with SATB2-related conditions. This variant is not present in population databases (ExAC no frequency). This sequence change replaces asparagine with serine at codon 257 of the SATB2 protein (p.Asn257Ser). The asparagine residue is moderately conserved and there is a small physicochemical difference between asparagine and serine.